The following is an entry in ClinVar:

ClinVar aggregate classification (germline): Pathogenic. Review status: criteria provided, single submitter (1 of 4 stars). 2 submissions from 2 submitters: Pathogenic (1). 1 of the submissions does not count toward it. Last evaluated 2020-09-10.

Conditions:
Intellectual developmental disorder, autosomal dominant 44, with microcephaly. Also called: Micrognathia-recurrent infections-behavioral abnormalities-mild intellectual disability syndrome; TRIO-Related Intellectual Disability. Identifiers: Orphanet 476126, MedGen C4310740, MONDO:0014892, OMIM 617061.

Submissions (2):

SIB Swiss Institute of Bioinformatics
Classification: Pathogenic for Intellectual developmental disorder, autosomal dominant 44, with microcephaly. Last evaluated: 2020-09-10. Review status: criteria provided, single submitter. Criteria: ACMG Guidelines, 2015. Collection method: curation. Allele origin: unknown.
Comment: This variant is interpreted as pathogenic for Intellectual developmental disorder, autosomal dominant 44, with microcephaly. The following ACMG Tag(s) were applied: Absent from controls (or at extremely low frequency if recessive) in Exome Sequencing Project, 1000 Genomes Project, or Exome Aggregation Consortium (PM2); De novo (paternity and maternity confirmed) (PS2); Missense variant in a gene that has a low rate of benign missense variation and in which missense variants are a common mechanism of disease (PP2); Located in a mutational hot spot and/or critical and well-established functional domain (e.g., active site of an enzyme) without benign variation (PM1 downgraded to supporting); Well-established functional studies show a deleterious effect (PS3 downgraded to moderate).

Laboratory of Molecular Genetics (Pr. Bezieau's lab), CHU de Nantes
Classification: Pathogenic. Last evaluated: 2017-07-20. Review status: no assertion criteria provided. Collection method: clinical testing. Allele origin: germline. Affected: yes. Not counted in ClinVar's aggregate classification.

Literature cited by the submitters: PubMed 32109419 (cited by SIB Swiss Institute of Bioinformatics).

NM_007118.4(TRIO):c.4406A>G (p.His1469Arg)

Gene: TRIO (trio Rho guanine nucleotide exchange factor; plus strand). Cytogenetic location: 5p15.2.
Variant type: single nucleotide variant.
Coding change: c.4406A>G on transcript NM_007118.4 (MANE Select); coding-DNA position 4406, A replaced by G.
Protein change: p.His1469Arg; replaces histidine 1469 with arginine.
Molecular consequence: missense variant. On other transcripts: non-coding transcript variant (1).
Genome position (GRCh38, 1-based): chr5:14,397,137, A>G. VCF-style: chr5-14397137-A-G. GRCh37 (hg19) VCF-style: chr5-14397246-A-G.
Other names: short protein forms H1469R.
Identifiers: ClinVar variation 545083 (VCV000545083.2), dbSNP rs1554070777, ClinGen allele CA359233767.